The following is an entry in ClinVar:

ClinVar aggregate classification (germline): Uncertain significance. Review status: criteria provided, multiple submitters, no conflicts (2 of 4 stars). 3 submissions from 3 submitters: Uncertain significance (3). Last evaluated 2024-10-15.

Conditions:
Inborn genetic diseases. Identifiers: MedGen C0950123, MeSH D030342.

Allele frequency attached by ClinVar (database versions not stated): gnomAD exomes 0.00001 and below 0.00001.
gnomAD v4.1: 7 of 1,614,096 alleles (0.00043%); highest among the groups gnomAD compares: East Asian, 0.0022%; no homozygotes.

Submissions (3):

Labcorp Genetics (formerly Invitae), Labcorp
Classification: Uncertain significance. Last evaluated: 2024-10-15. Review status: criteria provided, single submitter. Criteria: Invitae Variant Classification Sherloc (09022015). Collection method: clinical testing. Allele origin: germline.
Comment: This sequence change replaces isoleucine, which is neutral and non-polar, with threonine, which is neutral and polar, at codon 1426 of the CPLANE1 protein (p.Ile1426Thr). This variant is present in population databases (no rsID available, gnomAD 0.002%). This variant has not been reported in the literature in individuals affected with CPLANE1-related conditions. ClinVar contains an entry for this variant (Variation ID: 522592). Invitae Evidence Modeling of protein sequence and biophysical properties (such as structural, functional, and spatial information, amino acid conservation, physicochemical variation, residue mobility, and thermodynamic stability) indicates that this missense variant is not expected to disrupt CPLANE1 protein function with a negative predictive value of 95%. In summary, the available evidence is currently insufficient to determine the role of this variant in disease. Therefore, it has been classified as a Variant of Uncertain Significance.

GeneDx
Classification: Uncertain significance. Last evaluated: 2019-05-15. Review status: criteria provided, single submitter. Criteria: GeneDx Variant Classification Process June 2021. Collection method: clinical testing. Allele origin: germline. Affected: yes.
Comment: Not observed at a significant frequency in large population cohorts (Lek et al., 2016); In silico analysis, which includes protein predictors and evolutionary conservation, supports that this variant does not alter protein structure/function; Has not been previously published as pathogenic or benign to our knowledge

Ambry Genetics
Classification: Uncertain significance for Inborn genetic diseases. Last evaluated: 2015-05-15. Review status: criteria provided, single submitter. Criteria: Ambry exome assertion method (8-5-2015). Collection method: clinical testing. Allele origin: germline. Affected: yes. Observed: 1 variant allele.

NM_001384732.1(CPLANE1):c.4277T>C (p.Ile1426Thr)

Genes: CPLANE1 (ciliogenesis and planar polarity effector complex subunit 1; minus strand), LOC129389274 (MPRA-validated peak5227 silencer; plus strand). Cytogenetic location: 5p13.2.
Variant type: single nucleotide variant.
Coding change: c.4277T>C on transcript NM_001384732.1 (MANE Select); coding-DNA position 4277, T replaced by C.
Protein change: p.Ile1426Thr; replaces isoleucine 1426 with threonine.
Molecular consequence: missense variant.
Genome position (GRCh38, 1-based): chr5:37,184,992, A>G on the plus strand (T>C on the coding strand, the complement: CPLANE1 is on the minus strand). VCF-style: chr5-37184992-A-G. GRCh37 (hg19) VCF-style: chr5-37185094-A-G.
Other names: c.4277T>C, p.Ile1426Thr (NM_023073.4); short protein forms I1426T.
Identifiers: ClinVar variation 522592 (VCV000522592.14), dbSNP rs1157940387, ClinGen allele CA359501484.
Genomic context (GRCh38, chr5:37,184,992, plus strand): 5'-GGAGCCTCATCTGGTTTCTCTTCTTCAATTGGTTCCCATATATTCACTTCAAAAGAGCCT[A>G]TATTTCTCTGCACACGTTTTAGAGCTTTCACCCTCACTTTCTGGATAGAATGCATGACAA-3'
Protein context (NP_001371661.1, residues 1416-1436): VKALKRVQRN[Ile1426Thr]GSFEVNIWEP